The following is an entry in ClinVar:

NM_000212.3(ITGB3):c.1004C>T (p.Ala335Val)

Gene: ITGB3 (integrin subunit beta 3; plus strand). Cytogenetic location: 17q21.32.
Variant type: single nucleotide variant.
Coding change: c.1004C>T on transcript NM_000212.3 (MANE Select); coding-DNA position 1004, C replaced by T.
Protein change: p.Ala335Val; replaces alanine 335 with valine.
Molecular consequence: missense variant.
Genome position (GRCh38, 1-based): chr17:47,289,745, C>T. VCF-style: chr17-47289745-C-T. GRCh37 (hg19) VCF-style: chr17-45367111-C-T.
Other names: short protein forms A335V.
Identifiers: ClinVar variation 1985308 (VCV001985308.4), dbSNP rs2547617810, ClinGen allele CA400025759.

ClinVar aggregate classification (germline): Uncertain significance (1 of 4 stars; one submission).

Submission:

Labcorp Genetics (formerly Invitae), Labcorp
Classification: Uncertain significance. Last evaluated: 2022-08-17. Review status: criteria provided, single submitter. Criteria: Invitae Variant Classification Sherloc (09022015). Collection method: clinical testing. Allele origin: germline.
Comment: In summary, the available evidence is currently insufficient to determine the role of this variant in disease. Therefore, it has been classified as a Variant of Uncertain Significance. Algorithms developed to predict the effect of missense changes on protein structure and function (SIFT, PolyPhen-2, Align-GVGD) all suggest that this variant is likely to be disruptive. This variant has not been reported in the literature in individuals affected with ITGB3-related conditions. This variant is not present in population databases (gnomAD no frequency). This sequence change replaces alanine, which is neutral and non-polar, with valine, which is neutral and non-polar, at codon 335 of the ITGB3 protein (p.Ala335Val).